The following is an entry in ClinVar:

ClinVar aggregate classification (germline): Uncertain significance. Review status: criteria provided, single submitter (1 of 4 stars). 2 submissions from 2 submitters: Uncertain significance (1). 1 of the submissions does not count toward it. Last evaluated 2021-02-25.

Conditions:
CFTR-related disorder (CFTR-RD). Also called: CFTR-related condition; CFTR-related disorders. Identifiers: MedGen C5924204, MONDO:7770004.
Cystic fibrosis (CF). Also called: MUCOVISCIDOSIS. Identifiers: Orphanet 586, MedGen C0010674, MONDO:0009061, OMIM 219700. Disease mechanism: loss of function.

Submissions (2):

Ambry Genetics
Classification: Uncertain significance for Cystic fibrosis. Last evaluated: 2021-02-25. Review status: criteria provided, single submitter. Criteria: Ambry Variant Classification Scheme 2023. Collection method: clinical testing. Allele origin: germline.
Comment: The p.P750T variant (also known as c.2248C>A), located in coding exon 14 of the CFTR gene, results from a C to A substitution at nucleotide position 2248. The proline at codon 750 is replaced by threonine, an amino acid with highly similar properties. This amino acid position is well conserved in available vertebrate species. In addition, this alteration is predicted to be deleterious by in silico analysis. Since supporting evidence is limited at this time, the clinical significance of this alteration remains unclear.

Natera, Inc.
Classification: Uncertain significance for CFTR-related disorders. Last evaluated: 2025-02-12. Review status: no assertion criteria provided. Collection method: clinical testing. Allele origin: germline. Not counted in ClinVar's aggregate classification.

NM_000492.4(CFTR):c.2248C>A (p.Pro750Thr)

Gene: CFTR (CF transmembrane conductance regulator; plus strand). Cytogenetic location: 7q31.2.
Variant type: single nucleotide variant.
Coding change: c.2248C>A on transcript NM_000492.4 (MANE Select); coding-DNA position 2248, C replaced by A.
Protein change: p.Pro750Thr; replaces proline 750 with threonine.
Molecular consequence: missense variant.
Genome position (GRCh38, 1-based): chr7:117,592,415, C>A. VCF-style: chr7-117592415-C-A. GRCh37 (hg19) VCF-style: chr7-117232469-C-A.
Other names: short protein forms P750T.
Identifiers: ClinVar variation 1788365 (VCV001788365.3), dbSNP rs2485110351, ClinGen allele CA368980622.